The following is an entry in ClinVar:

NM_000092.5(COL4A4):c.2570C>T (p.Pro857Leu)

Gene: COL4A4 (collagen type IV alpha 4 chain; minus strand). Cytogenetic location: 2q36.3.
Variant type: single nucleotide variant.
Coding change: c.2570C>T on transcript NM_000092.5 (MANE Select); coding-DNA position 2570, C replaced by T.
Protein change: p.Pro857Leu; replaces proline 857 with leucine.
Molecular consequence: missense variant.
Genome position (GRCh38, 1-based): chr2:227,056,091, G>A on the plus strand (C>T on the coding strand, the complement: COL4A4 is on the minus strand). VCF-style: chr2-227056091-G-A. GRCh37 (hg19) VCF-style: chr2-227920807-G-A.
Other names: short protein forms P857L.
Identifiers: ClinVar variation 833896 (VCV000833896.23), dbSNP rs533602128, ClinGen allele CA2144771.

ClinVar aggregate classification (germline): Conflicting classifications of pathogenicity. Review status: criteria provided, conflicting classifications (1 of 4 stars). 6 submissions from 6 submitters: Uncertain significance (4); Likely benign (1). 1 of the submissions does not count toward it. Last evaluated 2025-12-02.

Conditions:
Hematuria, benign familial, 1 (BFH1). Also called: THIN MEMBRANE NEPHROPATHY. Identifiers: MedGen CN376803, MONDO:0007709, OMIM 141200.
Autosomal recessive Alport syndrome (ATS2). Also called: COL4A3-Related Nephropathy; ALPORT SYNDROME 2, AUTOSOMAL RECESSIVE; Alport syndrome type 2; COL4A4 Alport Syndrome and Thin Basement Membrane Nephropathy. Identifiers: Orphanet 63, Orphanet 88919, MedGen C4746745, MONDO:0008762, OMIM 203780.
COL4A4-related disorder.
Alport syndrome. Also called: Hemorrhagic familial nephritis; Hemorrhagic hereditary nephritis; Congenital hereditary hematuria. Identifiers: Orphanet 63, MedGen C1567741, MONDO:0018965.

Allele frequency attached by ClinVar (database versions not stated): gnomAD exomes 0.00003 and 0.00010; gnomAD 0.00005; TOPMed 0.00006; ExAC 0.00007; 1000 Genomes Project 0.00020; 1000 Genomes Project 30x 0.00031.
gnomAD v4.1: 58 of 1,614,018 alleles (0.0036%); highest among the groups gnomAD compares: Admixed American, 0.053%; no homozygotes.

Submissions (6):

GeneDx
Classification: Uncertain significance. Last evaluated: 2025-12-02. Review status: criteria provided, single submitter. Criteria: GeneDx Variant Classification Process June 2021. Collection method: clinical testing. Allele origin: germline. Affected: yes.
Comment: Observed with the p.(G445A) variant in the COL4A4 gene in a patient with renal features of Alport syndrome in published literature, but the phase of these variants is unknown (PMID: 36239278); In silico analysis suggests that this missense variant does not alter protein structure/function; Occurs in the triple helical domain at the Y position in the canonical Gly-X-Y repeat; although this variant may have an effect on normal protein folding and function, missense substitution at the Y position is not a common mechanism of disease; This variant is associated with the following publications: (PMID: 36239278)

Labcorp Genetics (formerly Invitae), Labcorp
Classification: Likely benign. Last evaluated: 2025-12-01. Review status: criteria provided, single submitter. Criteria: Invitae Variant Classification Sherloc (09022015). Collection method: clinical testing. Allele origin: germline.

PreventionGenetics, part of Exact Sciences
Classification: Uncertain significance for COL4A4-related condition. Last evaluated: 2025-10-30. Review status: criteria provided, single submitter. Criteria: ACMG Guidelines, 2015. Collection method: clinical testing. Allele origin: germline.
Comment: The COL4A4 c.2570C>T variant is predicted to result in the amino acid substitution p.Pro857Leu. This variant has been reported with c.1334G>C (p.Gly445Ala) with unknown phase in an individual with nephrotic syndrome (Bekheirnia et al. 2021. PubMed ID: 35368817; Ben Moshe et al. 2022. PubMed ID: 36239278); however, PreventionGenetics internal data suggests these two variants likely commonly occur on the same allele and this is supported by "co-occurrence of two variants (same haplotype)" search in gnomAD. This variant is reported in 0.055% of alleles in individuals of Latino descent in gnomAD. At this time, the clinical significance of this variant is uncertain due to the absence of conclusive functional and genetic evidence.

Fulgent Genetics
Classification: Uncertain significance for Hematuria, benign familial, 1; Autosomal recessive Alport syndrome. Last evaluated: 2024-02-09. Review status: criteria provided, single submitter. Criteria: ACMG Guidelines, 2015. Collection method: clinical testing. Allele origin: germline.

Blueprint Genetics
Classification: Uncertain significance. Last evaluated: 2022-06-03. Review status: criteria provided, single submitter. Criteria: ACMG Guidelines, 2015. Collection method: clinical testing. Allele origin: germline.

Natera, Inc.
Classification: Uncertain significance for Alport syndrome. Last evaluated: 2019-12-31. Review status: no assertion criteria provided. Collection method: clinical testing. Allele origin: germline. Not counted in ClinVar's aggregate classification.